The following is an entry in ClinVar:

NM_003128.3(SPTBN1):c.790A>C (p.Lys264Gln)

Gene: SPTBN1 (spectrin beta, non-erythrocytic 1; plus strand). Cytogenetic location: 2p16.2.
Variant type: single nucleotide variant.
Coding change: c.790A>C on transcript NM_003128.3 (MANE Select); coding-DNA position 790, A replaced by C.
Protein change: p.Lys264Gln; replaces lysine 264 with glutamine.
Molecular consequence: missense variant.
Genome position (GRCh38, 1-based): chr2:54,621,426, A>C. VCF-style: chr2-54621426-A-C. GRCh37 (hg19) VCF-style: chr2-54848563-A-C.
Other names: c.751A>C, p.Lys251Gln (NM_178313.3); short protein forms K264Q, K251Q.
Identifiers: ClinVar variation 3393610 (VCV003393610.1).
Genomic context (GRCh38, chr2:54,621,426, plus strand): 5'-CAACACACTGAACAGAGTCTTCTCTGGGTTACAGACATCAGCGTGGACCATCCTGATGAG[A>C]AGTCCATAATCACTTATGTGGTGACTTATTACCACTACTTCTCTAAGATGAAGGCCTTAG-3'
Protein context (NP_003119.2, residues 254-274): EDISVDHPDE[Lys264Gln]SIITYVVTYY

ClinVar aggregate classification (germline): Uncertain significance (1 of 4 stars; one submission).

Submission:

GeneDx
Classification: Uncertain significance. Last evaluated: 2024-07-02. Review status: criteria provided, single submitter. Criteria: GeneDx Variant Classification Process June 2021. Collection method: clinical testing. Allele origin: germline. Affected: yes.
Comment: Not observed at significant frequency in large population cohorts (gnomAD); In silico analysis supports that this missense variant has a deleterious effect on protein structure/function; Has not been previously published as pathogenic or benign to our knowledge